The following is an entry in ClinVar:

ClinVar aggregate classification (germline): Likely benign (1 of 4 stars; one submission).

Allele frequency attached by ClinVar (database versions not stated): gnomAD 0.00001; gnomAD exomes 0.00001; TOPMed 0.00003.

Submission:

CeGaT Center for Human Genetics Tuebingen
Classification: Likely benign. Last evaluated: 2022-07-01. Review status: criteria provided, single submitter. Criteria: CeGaT Center For Human Genetics Tuebingen Variant Classification Criteria Version 2. Collection method: clinical testing. Allele origin: germline. Affected: yes. Observed: 1 variant allele.
Comment: CENPI: BP4, BP7

NM_001386188.2(CENPI):c.1083T>C (p.Ser361=)

Gene: CENPI (centromere protein I; plus strand). Cytogenetic location: Xq22.1.
Variant type: single nucleotide variant.
Coding change: c.1083T>C on transcript NM_001386188.2 (MANE Select); coding-DNA position 1083, T replaced by C.
Protein change: p.Ser361=; no amino-acid change (serine 361 retained).
Molecular consequence: synonymous variant.
Genome position (GRCh38, 1-based): chrX:101,128,724, T>C. VCF-style: chrX-101128724-T-C. GRCh37 (hg19) VCF-style: chrX-100383713-T-C.
Other names: c.1083T>C, p.Ser361= (NM_001318521.2, NM_001318523.1, NM_006733.3).
Identifiers: ClinVar variation 2661052 (VCV002661052.24), dbSNP rs893088033, ClinGen allele CA333058491.